The following is an entry in ClinVar:

NM_001394062.1(MACF1):c.1702G>C (p.Glu568Gln)

Gene: MACF1 (microtubule actin crosslinking factor 1; plus strand). Cytogenetic location: 1p34.3.
Variant type: single nucleotide variant.
Coding change: c.1702G>C on transcript NM_001394062.1 (MANE Select); coding-DNA position 1702, G replaced by C.
Protein change: p.Glu568Gln; replaces glutamic acid 568 with glutamine.
Molecular consequence: missense variant.
Genome position (GRCh38, 1-based): chr1:39,287,479, G>C. VCF-style: chr1-39287479-G-C. GRCh37 (hg19) VCF-style: chr1-39753151-G-C.
Other names: c.1717G>C, p.Glu573Gln (NM_012090.5); short protein forms E568Q, E573Q.
Identifiers: ClinVar variation 2093893 (VCV002093893.4), dbSNP rs2521408470, ClinGen allele CA339762323.

ClinVar aggregate classification (germline): Uncertain significance (1 of 4 stars; one submission).

Allele frequency attached by ClinVar (database versions not stated): gnomAD exomes below 0.00001.
gnomAD v4.1: 1 of 1,614,164 alleles (0.000062%); highest among the groups gnomAD compares: Non-Finnish European, 0.000085%; no homozygotes.

Submission:

Labcorp Genetics (formerly Invitae), Labcorp
Classification: Uncertain significance. Last evaluated: 2026-01-26. Review status: criteria provided, single submitter. Criteria: Invitae Variant Classification Sherloc (09022015). Collection method: clinical testing. Allele origin: germline.
Comment: This sequence change replaces glutamic acid, which is acidic and polar, with glutamine, which is neutral and polar, at codon 573 of the MACF1 protein (p.Glu573Gln). This variant is not present in population databases (gnomAD no frequency). This variant has not been reported in the literature in individuals affected with MACF1-related conditions. ClinVar contains an entry for this variant (Variation ID: 2093893). An algorithm developed to predict the effect of missense changes on protein structure and function (PolyPhen-2) suggests that this variant is likely to be disruptive. In summary, the available evidence is currently insufficient to determine the role of this variant in disease. Therefore, it has been classified as a Variant of Uncertain Significance.